The following is an entry in ClinVar:

NM_001009944.3(PKD1):c.7210-1G>A

Genes: MIR6511B1 (microRNA 6511b-1; minus strand), PKD1 (polycystin 1, transient receptor potential channel interacting; minus strand). Cytogenetic location: 16p13.3.
Variant type: single nucleotide variant.
Coding change: c.7210-1G>A on transcript NM_001009944.3 (MANE Select); the canonical splice acceptor site of the intron before coding-DNA position 7210, G replaced by A.
Molecular consequence: splice acceptor variant. On other transcripts: non-coding transcript variant (1).
Genome position (GRCh38, 1-based): chr16:2,106,678, C>T on the plus strand (G>A on the coding strand, the complement: PKD1 is on the minus strand). VCF-style: chr16-2106678-C-T. GRCh37 (hg19) VCF-style: chr16-2156679-C-T.
Other names: c.7210-1G>A (NM_000296.4).
Identifiers: ClinVar variation 4849154 (VCV004849154.1).

ClinVar aggregate classification (germline): Likely pathogenic (1 of 4 stars; one submission).

Conditions:
Polycystic kidney disease, adult type (PKD1). Also called: Polycystic Kidney Disease 1, Autosomal Dominant; Polycystic kidney disease 1; Polycystic kidney disease 1, severe; POLYCYSTIC KIDNEY DISEASE 1 WITH OR WITHOUT POLYCYSTIC LIVER DISEASE; POLYCYSTIC KIDNEY DISEASE, ADULT, TYPE I; Polycystic Kidney, Autosomal Dominant. Identifiers: MedGen C3149841, MONDO:0008263, OMIM 173900.

Submission:

Women's Health and Genetics/Laboratory Corporation of America, LabCorp
Classification: Likely pathogenic for Polycystic kidney disease, adult type. Last evaluated: 2026-04-22. Review status: criteria provided, single submitter. Criteria: LabCorp Variant Classification Summary - May 2015. Collection method: clinical testing. Allele origin: germline.
Comment: Variant summary: PKD1 c.7210-1G>A is located in a canonical splice-site and is predicted to affect mRNA splicing, resulting in a significantly altered protein due to either exon skipping, shortening, or inclusion of intronic material. Variants that disrupt the consensus splice site are a relatively common cause of aberrant splicing and loss of PKD1 function. Several computational tools predict a significant impact on normal splicing: Four predict that the variant abolishes a 3' acceptor site. However, these predictions have yet to be confirmed by functional studies. The variant was absent in 200218 control chromosomes. c.7210-1G>A has been observed in one heterozygous individual affected with Polycystic Kidney Disease 1 (Liu_2015). To our knowledge, no experimental evidence demonstrating an impact on protein function has been reported. The following publication has been ascertained in the context of this evaluation (PMID: 26274329). No submitters have cited clinical significance assessments for this variant in ClinVar. Based on the evidence outlined above, the variant was classified as likely pathogenic.

Literature cited by the submitters: PubMed 26274329.